The following is an entry in ClinVar:

NM_021155.4(CD209):c.731A>G (p.Gln244Arg)

Gene: CD209 (CD209 molecule; minus strand). Cytogenetic location: 19p13.2.
Variant type: single nucleotide variant.
Coding change: c.731A>G on transcript NM_021155.4 (MANE Select); coding-DNA position 731, A replaced by G.
Protein change: p.Gln244Arg; replaces glutamine 244 with arginine.
Molecular consequence: missense variant. On other transcripts: non-coding transcript variant (1), intron variant (3).
Genome position (GRCh38, 1-based): chr19:7,745,535, T>C on the plus strand (A>G on the coding strand, the complement: CD209 is on the minus strand). VCF-style: chr19-7745535-T-C. GRCh37 (hg19) VCF-style: chr19-7810421-T-C.
Other names: c.659A>G, p.Gln220Arg (NM_001144896.2); c.731A>G, p.Gln244Arg (NM_001144897.2); c.340+259A>G (NM_001144893.2); c.266-443A>G (NM_001144899.2); c.472+259A>G (NM_001144895.2); c.599A>G, p.Gln200Arg (NM_001144894.2); short protein forms Q200R, Q220R, Q244R.
Identifiers: ClinVar variation 2649173 (VCV002649173.24), dbSNP rs145850292, ClinGen allele CA9145995.

ClinVar aggregate classification (germline): Likely benign (1 of 4 stars; one submission).

Allele frequency attached by ClinVar (database versions not stated): gnomAD 0.00029; 1000 Genomes Project 0.00120; ESP Exome Variant Server 0.00161.

Submission:

CeGaT Center for Human Genetics Tuebingen
Classification: Likely benign. Last evaluated: 2023-09-01. Review status: criteria provided, single submitter. Criteria: CeGaT Center For Human Genetics Tuebingen Variant Classification Criteria Version 2. Collection method: clinical testing. Allele origin: germline. Affected: yes. Observed: 1 variant allele.
Comment: CD209: BP4